The following is an entry in ClinVar:

ClinVar aggregate classification (germline): Uncertain significance. Review status: criteria provided, multiple submitters, no conflicts (2 of 4 stars). 8 submissions from 5 submitters: Uncertain significance (8). Last evaluated 2025-08-08.

Conditions:
Hypokalemic periodic paralysis, type 1. Also called: Hypokalemic Periodic Paralysis Type 1 (AD); HypoPP. Identifiers: Orphanet 681, MedGen C3714580, MONDO:0042979, OMIM 170400.
Malignant hyperthermia, susceptibility to, 5 (MHS5). Also called: CACNA1S-Related Malignant Hyperthermia Susceptibility. Identifiers: Orphanet 423, MedGen C1866077, MONDO:0011163, OMIM 601887.
Congenital myopathy 18. Also called: DIHYDROPYRIDINE RECEPTOR CONGENITAL MYOPATHY; DHPR CONGENITAL MYOPATHY; Myopathy, congenital, due to dihydropyridine receptor defect. Identifiers: MedGen C5830283, MONDO:0859514, OMIM 620246.
Thyrotoxic periodic paralysis, susceptibility to, 1 (TTPP1). Identifiers: Orphanet 79102, MedGen C2749982, MONDO:0008570, OMIM 188580.

Allele frequency attached by ClinVar (database versions not stated): gnomAD 0.00001 and 0.00002; gnomAD exomes 0.00001 and 0.00002; TOPMed 0.00002.
gnomAD v4.1: 30 of 1,607,462 alleles (0.0019%); highest among the groups gnomAD compares: Middle Eastern, 0.017%; no homozygotes.

Submissions (8):

Color Diagnostics, LLC DBA Color Health
Classification: Uncertain significance for Malignant hyperthermia, susceptibility to, 5. Last evaluated: 2025-08-08. Review status: criteria provided, single submitter. Criteria: ACMG Guidelines, 2015. Collection method: clinical testing. Allele origin: germline.
Comment: This variant causes a G to A nucleotide substitution at the +3 position of intron 36 of the CACNA1S gene. To our knowledge, RNA studies have not been reported for this variant. This variant has not been reported in individuals affected with CACNA1S-related disorders in the literature. This variant has been identified in 3/251178 chromosomes in the general population by the Genome Aggregation Database (gnomAD). The available evidence is insufficient to determine the role of this variant in disease conclusively. Therefore, this variant is classified as a Variant of Uncertain Significance.

Labcorp Genetics (formerly Invitae), Labcorp
Classification: Uncertain significance for Hypokalemic periodic paralysis, type 1; Malignant hyperthermia, susceptibility to, 5. Last evaluated: 2025-03-13. Review status: criteria provided, single submitter. Criteria: Invitae Variant Classification Sherloc (09022015). Collection method: clinical testing. Allele origin: germline.
Comment: This sequence change falls in intron 36 of the CACNA1S gene. It does not directly change the encoded amino acid sequence of the CACNA1S protein. It affects a nucleotide within the consensus splice site. This variant is present in population databases (no rsID available, gnomAD 0.003%). This variant has not been reported in the literature in individuals affected with CACNA1S-related conditions. ClinVar contains an entry for this variant (Variation ID: 294717). Variants that disrupt the consensus splice site are a relatively common cause of aberrant splicing (PMID: 17576681, 9536098). Algorithms developed to predict the effect of sequence changes on RNA splicing suggest that this variant is not likely to affect RNA splicing. In summary, the available evidence is currently insufficient to determine the role of this variant in disease. Therefore, it has been classified as a Variant of Uncertain Significance.

Fulgent Genetics
Classification: Uncertain significance for Hypokalemic periodic paralysis, type 1; Thyrotoxic periodic paralysis, susceptibility to, 1; Malignant hyperthermia, susceptibility to, 5; Congenital myopathy 18. Last evaluated: 2024-06-12. Review status: criteria provided, single submitter. Criteria: ACMG Guidelines, 2015. Collection method: clinical testing. Allele origin: germline.

Genome-Nilou Lab
Classification: Uncertain significance for Malignant hyperthermia, susceptibility to, 5. Last evaluated: 2023-04-11. Review status: criteria provided, single submitter. Criteria: ACMG Guidelines, 2015. Collection method: clinical testing. Allele origin: germline. Affected: no.

Genome-Nilou Lab
Classification: Uncertain significance for Thyrotoxic periodic paralysis, susceptibility to, 1. Last evaluated: 2023-04-11. Review status: criteria provided, single submitter. Criteria: ACMG Guidelines, 2015. Collection method: clinical testing. Allele origin: germline. Affected: no.

Genome-Nilou Lab
Classification: Uncertain significance for Congenital myopathy 18. Last evaluated: 2023-04-11. Review status: criteria provided, single submitter. Criteria: ACMG Guidelines, 2015. Collection method: clinical testing. Allele origin: germline. Affected: no.

Genome-Nilou Lab
Classification: Uncertain significance for Hypokalemic periodic paralysis, type 1. Last evaluated: 2023-04-11. Review status: criteria provided, single submitter. Criteria: ACMG Guidelines, 2015. Collection method: clinical testing. Allele origin: germline. Affected: no.

Illumina Laboratory Services, Illumina
Classification: Uncertain significance for Hypokalemic periodic paralysis, type 1. Last evaluated: 2018-01-13. Review status: criteria provided, single submitter. Criteria: ICSL Variant Classification Criteria 13 December 2019. Collection method: clinical testing. Allele origin: germline.

Literature cited by the submitters: PubMed 17576681 (cited by Labcorp Genetics (formerly Invitae), Labcorp); PubMed 9536098 (cited by Labcorp Genetics (formerly Invitae), Labcorp).

NM_000069.3(CACNA1S):c.4441+3G>A

Gene: CACNA1S (calcium voltage-gated channel subunit alpha1 S; minus strand). Cytogenetic location: 1q32.1.
Variant type: single nucleotide variant.
Coding change: c.4441+3G>A on transcript NM_000069.3 (MANE Select); 3 bases into the intron after coding-DNA position 4441, G replaced by A.
Molecular consequence: intron variant.
Genome position (GRCh38, 1-based): chr1:201,048,579, C>T on the plus strand (G>A on the coding strand, the complement: CACNA1S is on the minus strand). VCF-style: chr1-201048579-C-T. GRCh37 (hg19) VCF-style: chr1-201017707-C-T.
Identifiers: ClinVar variation 294717 (VCV000294717.14), dbSNP rs886045795, ClinGen allele CA10608730.